The following is an entry in ClinVar:

ClinVar aggregate classification (germline): Uncertain significance (1 of 4 stars; one submission).

Submission:

GeneDx
Classification: Uncertain significance. Last evaluated: 2025-02-10. Review status: criteria provided, single submitter. Criteria: GeneDx Variant Classification Process June 2021. Collection method: clinical testing. Allele origin: germline. Affected: yes.
Comment: Not observed at significant frequency in large population cohorts (gnomAD); In silico analysis indicates that this missense variant does not alter protein structure/function; Has not been previously published as pathogenic or benign to our knowledge

NM_001170629.2(CHD8):c.1159G>C (p.Gly387Arg)

Gene: CHD8 (chromodomain helicase DNA binding protein 8; minus strand). Cytogenetic location: 14q11.2.
Variant type: single nucleotide variant.
Coding change: c.1159G>C on transcript NM_001170629.2 (MANE Select); coding-DNA position 1159, G replaced by C.
Protein change: p.Gly387Arg; replaces glycine 387 with arginine.
Molecular consequence: missense variant.
Genome position (GRCh38, 1-based): chr14:21,429,020, C>G on the plus strand (G>C on the coding strand, the complement: CHD8 is on the minus strand). VCF-style: chr14-21429020-C-G. GRCh37 (hg19) VCF-style: chr14-21897179-C-G.
Other names: c.322G>C, p.Gly108Arg (NM_020920.4); short protein forms G108R, G387R.
Identifiers: ClinVar variation 4074327 (VCV004074327.1).